The following is an entry in ClinVar:

ClinVar aggregate classification (germline): Likely benign (0 of 4 stars; one submission).

Conditions:
SPTA1-related disorder. Also called: SPTA1-related disorders; SPTA1-related condition.

Allele frequency attached by ClinVar (database versions not stated): TOPMed 0.00002; ExAC 0.00003; gnomAD 0.00003; gnomAD exomes 0.00004.
gnomAD v4.1: 62 of 1,613,978 alleles (0.0038%); highest among the groups gnomAD compares: Non-Finnish European, 0.0048%; no homozygotes.

Submission:

PreventionGenetics, part of Exact Sciences
Classification: Likely benign for SPTA1-related condition. Last evaluated: 2023-12-06. Review status: no assertion criteria provided. Collection method: clinical testing. Allele origin: germline.
Comment: This variant is classified as likely benign based on ACMG/AMP sequence variant interpretation guidelines (Richards et al. 2015 PMID: 25741868, with internal and published modifications).

NM_003126.4(SPTA1):c.5961G>A (p.Glu1987=)

Gene: SPTA1 (spectrin alpha, erythrocytic 1; minus strand). Cytogenetic location: 1q23.1.
Variant type: single nucleotide variant.
Coding change: c.5961G>A on transcript NM_003126.4 (MANE Select); coding-DNA position 5961, G replaced by A.
Protein change: p.Glu1987=; no amino-acid change (glutamic acid 1987 retained).
Molecular consequence: synonymous variant.
Genome position (GRCh38, 1-based): chr1:158,623,142, C>T on the plus strand (G>A on the coding strand, the complement: SPTA1 is on the minus strand). VCF-style: chr1-158623142-C-T. GRCh37 (hg19) VCF-style: chr1-158592932-C-T.
Identifiers: ClinVar variation 3036102 (VCV003036102.2), dbSNP rs753811219, ClinGen allele CA1182122.